The following is an entry in ClinVar:

NM_003764.4(STX11):c.527A>G (p.Gln176Arg)

Gene: STX11 (syntaxin 11; plus strand). Cytogenetic location: 6q24.2.
Variant type: single nucleotide variant.
Coding change: c.527A>G on transcript NM_003764.4 (MANE Select); coding-DNA position 527, A replaced by G.
Protein change: p.Gln176Arg; replaces glutamine 176 with arginine.
Molecular consequence: missense variant.
Genome position (GRCh38, 1-based): chr6:144,187,154, A>G. VCF-style: chr6-144187154-A-G. GRCh37 (hg19) VCF-style: chr6-144508291-A-G.
Other names: short protein forms Q176R.
Identifiers: ClinVar variation 842382 (VCV000842382.8), dbSNP rs781537476, ClinGen allele CA4031724.

ClinVar aggregate classification (germline): Uncertain significance. Review status: criteria provided, multiple submitters, no conflicts (2 of 4 stars). 2 submissions from 2 submitters: Uncertain significance (2). Last evaluated 2025-10-15.

Conditions:
Familial hemophagocytic lymphohistiocytosis 4 (FHL4). Also called: STX11-Related Familial Hemophagocytic Lymphohistiocytosis (STX11-fHLH). Identifiers: Orphanet 540, MedGen C1863728, MONDO:0011336, OMIM 603552.
Inborn genetic diseases. Identifiers: MedGen C0950123, MeSH D030342.

Allele frequency attached by ClinVar (database versions not stated): TOPMed below 0.00001; gnomAD 0.00001 and 0.00003; ExAC 0.00003; gnomAD exomes 0.00003 and 0.00004.
gnomAD v4.1: 47 of 1,613,872 alleles (0.0029%); highest among the groups gnomAD compares: South Asian, 0.038%; no homozygotes.

Submissions (2):

Ambry Genetics
Classification: Uncertain significance for Inborn genetic diseases. Last evaluated: 2025-10-15. Review status: criteria provided, single submitter. Criteria: Ambry Variant Classification Scheme 2023. Collection method: clinical testing. Allele origin: germline.

Labcorp Genetics (formerly Invitae), Labcorp
Classification: Uncertain significance for Familial hemophagocytic lymphohistiocytosis 4. Last evaluated: 2021-08-26. Review status: criteria provided, single submitter. Criteria: Invitae Variant Classification Sherloc (09022015). Collection method: clinical testing. Allele origin: germline.
Comment: This sequence change replaces glutamine with arginine at codon 176 of the STX11 protein (p.Gln176Arg). The glutamine residue is moderately conserved and there is a small physicochemical difference between glutamine and arginine. This variant is present in population databases (rs781537476, ExAC 0.02%). This variant has not been reported in the literature in individuals affected with STX11-related conditions. Algorithms developed to predict the effect of missense changes on protein structure and function are either unavailable or do not agree on the potential impact of this missense change (SIFT: "Deleterious"; PolyPhen-2: "Possibly Damaging"; Align-GVGD: "Class C0"). In summary, the available evidence is currently insufficient to determine the role of this variant in disease. Therefore, it has been classified as a Variant of Uncertain Significance.